The following is an entry in ClinVar:

NM_001113491.2(SEPTIN9):c.907G>A (p.Val303Met)

Gene: SEPTIN9 (septin 9; plus strand). Cytogenetic location: 17q25.3.
Variant type: single nucleotide variant.
Coding change: c.907G>A on transcript NM_001113491.2 (MANE Select); coding-DNA position 907, G replaced by A.
Protein change: p.Val303Met; replaces valine 303 with methionine.
Molecular consequence: missense variant.
Genome position (GRCh38, 1-based): chr17:77,482,329, G>A. VCF-style: chr17-77482329-G-A. GRCh37 (hg19) VCF-style: chr17-75478411-G-A.
Other names: c.907G>A (NM_001113491.1); c.415G>A, p.Val139Met (NM_001113492.2, NM_001113494.1); c.886G>A, p.Val296Met (NM_001113493.2); c.154G>A, p.Val52Met (NM_001113495.2, NM_001113496.2, NM_001293697.2 and 1 more transcripts); c.850G>A, p.Val284Met (NM_001293695.2); c.235G>A, p.Val79Met (NM_001293696.2); c.853G>A, p.Val285Met (NM_006640.5); short protein forms V139M, V284M, V296M, V52M, V79M, V285M, V303M.
Identifiers: ClinVar variation 889089 (VCV000889089.14), dbSNP rs367749123, ClinGen allele CA8793548.
Genomic context (GRCh38, chr17:77,482,329, plus strand): 5'-TCCATCCTGGAGCAGATGCGCCGGAAGGCCATGAAGCAGGGCTTCGAGTTCAACATCATG[G>A]TGGTCGGTGAGTCCTCACCTTGCATGCCACTCAACCAATGCCGGAAACCAGCCTCAGCCC-3'
Protein context (NP_001106963.1, residues 293-313): MKQGFEFNIM[Val303Met]VGQSGLGKST

ClinVar aggregate classification (germline): Conflicting classifications of pathogenicity. Review status: criteria provided, conflicting classifications (1 of 4 stars). 5 submissions from 5 submitters: Uncertain significance (1); Benign (1); Likely benign (3). Last evaluated 2026-01-13.

Conditions:
Inborn genetic diseases. Identifiers: MedGen C0950123, MeSH D030342.
SEPTIN9-related disorder. Also called: SEPTIN9-related condition.
Amyotrophic neuralgia (HNA). Also called: AMYOTROPHY, HEREDITARY NEURALGIC, WITH PREDILECTION FOR BRACHIAL PLEXUS; AMYOTROPHY, HEREDITARY NEURALGIC; Hereditary Brachial Plexus Neuropathy; Neuritis with Brachial Predilection. Identifiers: Orphanet 2901, MedGen C1834304, MONDO:0008076, OMIM 162100.

Allele frequency attached by ClinVar (database versions not stated): ESP Exome Variant Server 0.00016; TOPMed 0.00021; gnomAD exomes 0.00023 and 0.00028; gnomAD 0.00025 and 0.00030; ExAC 0.00036.

Submissions (5):

Labcorp Genetics (formerly Invitae), Labcorp
Classification: Likely benign. Last evaluated: 2026-01-13. Review status: criteria provided, single submitter. Criteria: Invitae Variant Classification Sherloc (09022015). Collection method: clinical testing. Allele origin: germline.

PreventionGenetics, part of Exact Sciences
Classification: Likely benign for SEPTIN9-related condition. Last evaluated: 2025-04-23. Review status: criteria provided, single submitter. Criteria: ACMG Guidelines, 2015. Collection method: clinical testing. Allele origin: germline.
Comment: This variant is classified as likely benign based on ACMG/AMP sequence variant interpretation guidelines (Richards et al. 2015 PMID: 25741868, with internal and published modifications).

Blueprint Genetics
Classification: Likely benign. Last evaluated: 2024-11-17. Review status: criteria provided, single submitter. Criteria: ACMG Guidelines, 2015. Collection method: clinical testing. Allele origin: germline.

Ambry Genetics
Classification: Uncertain significance for Inborn genetic diseases. Last evaluated: 2021-06-23. Review status: criteria provided, single submitter. Criteria: Ambry Variant Classification Scheme 2023. Collection method: clinical testing. Allele origin: germline.

Illumina Laboratory Services, Illumina
Classification: Benign for Amyotrophy, hereditary neuralgic. Last evaluated: 2018-01-13. Review status: criteria provided, single submitter. Criteria: ICSL Variant Classification Criteria 13 December 2019. Collection method: clinical testing. Allele origin: germline.
Comment: This variant was observed in the ICSL laboratory as part of a predisposition screen in an ostensibly healthy population. It had not been previously curated by ICSL or reported in the Human Gene Mutation Database (HGMD: prior to June 1st, 2018), and was therefore a candidate for classification through an automated scoring system. Utilizing variant allele frequency, disease prevalence and penetrance estimates, and inheritance mode, an automated score was calculated to assess if this variant is too frequent to cause the disease. Based on the score and internal cut-off values, a variant classified as benign is not then subjected to further curation. The score for this variant resulted in a classification of benign for this disease.